The following is an entry in ClinVar:

NM_000268.4(NF2):c.409G>A (p.Ala137Thr)

Gene: NF2 (NF2, moesin-ezrin-radixin like (MERLIN) tumor suppressor; plus strand). Cytogenetic location: 22q12.2.
Variant type: single nucleotide variant.
Coding change: c.409G>A on transcript NM_000268.4 (MANE Select); coding-DNA position 409, G replaced by A.
Protein change: p.Ala137Thr; replaces alanine 137 with threonine.
Molecular consequence: missense variant. On other transcripts: 5 prime UTR variant (1), non-coding transcript variant (1).
Genome position (GRCh38, 1-based): chr22:29,642,247, G>A. VCF-style: chr22-29642247-G-A. GRCh37 (hg19) VCF-style: chr22-30038236-G-A.
Other names: c.295G>A, p.Ala99Thr (NM_001407053.1, NM_001407056.1); c.286G>A, p.Ala96Thr (NM_001407054.1, NM_001407058.1, NM_001407062.1 and 1 more transcripts); c.283G>A, p.Ala95Thr (NM_001407055.1, NM_181828.3); c.409G>A, p.Ala137Thr (NM_001407057.1, NM_001407059.1, NM_001407060.1 and 5 more transcripts); c.160G>A, p.Ala54Thr (NM_001407063.1, NM_001407064.1, NM_181830.3 and 1 more transcripts); c.-232G>A (NM_001407065.1); c.178G>A, p.Ala60Thr (NM_001407067.1); short protein forms A137T, A96T, A95T, A99T, A54T, A60T.
Identifiers: ClinVar variation 3404996 (VCV003404996.1).
Genomic context (GRCh38, chr22:29,642,247, plus strand): 5'-TGTTGCTCCTTTCAGGTAAAGAAGCAGATTTTAGATGAAAAGATCTACTGCCCTCCTGAG[G>A]CTTCTGTGCTCCTGGCTTCTTACGCCGTCCAGGCCAAGGTAGGCTCAAAGAAGAAAAATG-3'
Protein context (NP_000259.1, residues 127-147): LDEKIYCPPE[Ala137Thr]SVLLASYAVQ

ClinVar aggregate classification (germline): Uncertain significance (1 of 4 stars; one submission).

Conditions:
Hereditary cancer-predisposing syndrome. Also called: Neoplastic Syndromes, Hereditary; Tumor predisposition; Hereditary Cancer Syndrome; Hereditary neoplastic syndrome. Identifiers: Orphanet 140162, MedGen C0027672, MeSH D009386, MONDO:0015356.

Submission:

Ambry Genetics
Classification: Uncertain significance for Hereditary cancer-predisposing syndrome. Last evaluated: 2024-08-23. Review status: criteria provided, single submitter. Criteria: Ambry Variant Classification Scheme 2023. Collection method: clinical testing. Allele origin: germline.
Comment: The p.A137T variant (also known as c.409G>A), located in coding exon 4 of the NF2 gene, results from a G to A substitution at nucleotide position 409. The alanine at codon 137 is replaced by threonine, an amino acid with similar properties. This amino acid position is conserved. In addition, the in silico prediction for this alteration is inconclusive. Based on the available evidence, the clinical significance of this variant remains unclear.